The following is an entry in ClinVar:

NM_002878.4(RAD51D):c.444G>T (p.Gln148His)

Genes: RAD51D (RAD51 paralog D; minus strand), RAD51L3-RFFL (RAD51L3-RFFL readthrough; minus strand). Cytogenetic location: 17q12.
Variant type: single nucleotide variant.
Coding change: c.444G>T on transcript NM_002878.4 (MANE Select); coding-DNA position 444, G replaced by T.
Protein change: p.Gln148His; replaces glutamine 148 with histidine.
Molecular consequence: missense variant. On other transcripts: non-coding transcript variant (1), intron variant (1).
Genome position (GRCh38, 1-based): chr17:35,107,024, C>A on the plus strand (G>T on the coding strand, the complement: RAD51D is on the minus strand). VCF-style: chr17-35107024-C-A. GRCh37 (hg19) VCF-style: chr17-33434043-C-A.
Other names: c.504G>T, p.Gln168His (NM_001142571.2); c.145-543G>T (NM_133629.3); short protein forms Q148H, Q168H.
Identifiers: ClinVar variation 1740691 (VCV001740691.2), dbSNP rs2142432635, ClinGen allele CA399089219.
Genomic context (GRCh38, chr17:35,107,024, plus strand): 5'-TGGAACCCAGCATCCTGCCCTTACCTGTTCCTCCTCATCCTGGGTTTTAGCCTGAAGCAG[C>A]TGGAGGAGGCGGGAAGCTGTCAGCCCTCCATTGGAATCTACATATAGGACGTTTTGCTGC-3'
Protein context (NP_002869.3, residues 138-158): NGGLTASRLL[Gln148His]LLQAKTQDEE

ClinVar aggregate classification (germline): Uncertain significance (1 of 4 stars; one submission).

Conditions:
Hereditary cancer-predisposing syndrome. Also called: Hereditary Cancer Syndrome; Hereditary neoplastic syndrome; Neoplastic Syndromes, Hereditary; Tumor predisposition. Identifiers: Orphanet 140162, MedGen C0027672, MeSH D009386, MONDO:0015356.

Submission:

Ambry Genetics
Classification: Uncertain significance for Hereditary cancer-predisposing syndrome. Last evaluated: 2022-06-23. Review status: criteria provided, single submitter. Criteria: Ambry Variant Classification Scheme 2023. Collection method: clinical testing. Allele origin: germline.
Comment: The p.Q148H variant (also known as c.444G>T), located in coding exon 5 of the RAD51D gene, results from a G to T substitution at nucleotide position 444. The glutamine at codon 148 is replaced by histidine, an amino acid with highly similar properties. This amino acid position is conserved. In addition, the in silico prediction for this alteration is inconclusive. Since supporting evidence is limited at this time, the clinical significance of this alteration remains unclear.